The following is an entry in ClinVar:

ClinVar aggregate classification (germline): Uncertain significance (1 of 4 stars; one submission).

Allele frequency attached by ClinVar (database versions not stated): gnomAD exomes 0.00001.
gnomAD v4.1: 10 of 1,613,940 alleles (0.00062%); highest among the groups gnomAD compares: Non-Finnish European, 0.00076%; no homozygotes.

Submission:

Labcorp Genetics (formerly Invitae), Labcorp
Classification: Uncertain significance. Last evaluated: 2024-11-24. Review status: criteria provided, single submitter. Criteria: Invitae Variant Classification Sherloc (09022015). Collection method: clinical testing. Allele origin: germline.
Comment: This sequence change falls in intron 4 of the CDH2 gene. It does not directly change the encoded amino acid sequence of the CDH2 protein. It affects a nucleotide within the consensus splice site. This variant is not present in population databases (gnomAD no frequency). This variant has not been reported in the literature in individuals affected with CDH2-related conditions. ClinVar contains an entry for this variant (Variation ID: 2788826). Variants that disrupt the consensus splice site are a relatively common cause of aberrant splicing (PMID: 17576681, 9536098). Algorithms developed to predict the effect of sequence changes on RNA splicing suggest that this variant may disrupt the consensus splice site. In summary, the available evidence is currently insufficient to determine the role of this variant in disease. Therefore, it has been classified as a Variant of Uncertain Significance.

Literature cited by the submitters: PubMed 17576681; PubMed 9536098.

NM_001792.5(CDH2):c.546+3A>G

Gene: CDH2 (cadherin 2; minus strand). Cytogenetic location: 18q12.1.
Variant type: single nucleotide variant.
Coding change: c.546+3A>G on transcript NM_001792.5 (MANE Select); 3 bases into the intron after coding-DNA position 546, A replaced by G.
Molecular consequence: intron variant.
Genome position (GRCh38, 1-based): chr18:28,011,843, T>C on the plus strand (A>G on the coding strand, the complement: CDH2 is on the minus strand). VCF-style: chr18-28011843-T-C. GRCh37 (hg19) VCF-style: chr18-25591807-T-C.
Other names: c.453+3A>G (NM_001308176.2).
Identifiers: ClinVar variation 2788826 (VCV002788826.3), dbSNP rs2510816746, ClinGen allele CA2641373355.